The following is an entry in ClinVar:

NM_001844.5(COL2A1):c.2818C>T (p.Arg940Ter)

Gene: COL2A1 (collagen type II alpha 1 chain; minus strand). Cytogenetic location: 12q13.11.
Variant type: single nucleotide variant.
Coding change: c.2818C>T on transcript NM_001844.5 (MANE Select); coding-DNA position 2818, C replaced by T.
Protein change: p.Arg940Ter; replaces arginine 940 with a stop codon.
Molecular consequence: nonsense.
Genome position (GRCh38, 1-based): chr12:47,978,674, G>A on the plus strand (C>T on the coding strand, the complement: COL2A1 is on the minus strand). VCF-style: chr12-47978674-G-A. GRCh37 (hg19) VCF-style: chr12-48372457-G-A.
Other names: c.2611C>T, p.Arg871Ter (NM_033150.3); short protein forms R940*, R871*.
Identifiers: ClinVar variation 391509 (VCV000391509.14), dbSNP rs1057524114, ClinGen allele CA16606625.

ClinVar aggregate classification (germline): Pathogenic. Review status: criteria provided, multiple submitters, no conflicts (2 of 4 stars). 6 submissions from 6 submitters: Pathogenic (6). Last evaluated 2026-08-25.

Conditions:
COL2A1-related disorder. Also called: COL2A1-related condition; COL2A1-related disorders.
Stickler syndrome. Identifiers: Orphanet 828, MedGen C0265253, MONDO:0019354.
Stickler syndrome type 1 (STL1). Also called: ARTHROOPHTHALMOPATHY, HEREDITARY PROGRESSIVE; STICKLER SYNDROME, MEMBRANOUS VITREOUS TYPE; STICKLER SYNDROME, VITREOUS TYPE 1; COL2A1-Related Stickler Syndrome. Identifiers: Orphanet 828, Orphanet 90653, MedGen C2020284, MONDO:0007160, OMIM 108300.

Submissions (6):

Cambridge Genomics Laboratory, East Genomic Laboratory Hub, NHS Genomic Medicine Service
Classification: Pathogenic for Stickler syndrome. Last evaluated: 2026-08-25. Review status: criteria provided, single submitter. Criteria: ACGS Best Practice Guidelines for Variant Classification in Rare Disease 2020. Collection method: clinical testing. Allele origin: germline. Affected: yes.
Comment: PVS1,PM2

Labcorp Genetics (formerly Invitae), Labcorp
Classification: Pathogenic. Last evaluated: 2025-08-12. Review status: criteria provided, single submitter. Criteria: Invitae Variant Classification Sherloc (09022015). Collection method: clinical testing. Allele origin: germline.
Comment: This sequence change creates a premature translational stop signal (p.Arg940*) in the COL2A1 gene. It is expected to result in an absent or disrupted protein product. Loss-of-function variants in COL2A1 are known to be pathogenic (PMID: 20179744). This variant is not present in population databases (gnomAD no frequency). This premature translational stop signal has been observed in individual(s) with Stickler syndrome (PMID: 27408751). ClinVar contains an entry for this variant (Variation ID: 391509). For these reasons, this variant has been classified as Pathogenic.

PreventionGenetics, part of Exact Sciences
Classification: Pathogenic for COL2A1-related condition. Last evaluated: 2025-01-02. Review status: criteria provided, single submitter. Criteria: ACMG Guidelines, 2015. Collection method: clinical testing. Allele origin: germline.
Comment: The COL2A1 c.2818C>T variant is predicted to result in premature protein termination (p.Arg940*). This variant has been reported in multiple individuals with Stickler syndrome (For example see: Kondo et al 2016. PubMed ID: 27408751; reported as de novo in Suppl. data, Wang et al. 2021. PubMed ID: 33502061; Khan et al. 2021. PubMed ID: 33951325) and in an individual with early-onset high myopia (Zhou et al. 2018. PubMed ID: 29453956). This variant has not been reported in a large population database, indicating this variant is rare. Nonsense variants in COL2A1 are expected to be pathogenic. This variant is interpreted as pathogenic.

GeneDx
Classification: Pathogenic. Last evaluated: 2024-03-21. Review status: criteria provided, single submitter. Criteria: GeneDx Variant Classification Process June 2021. Collection method: clinical testing. Allele origin: germline. Affected: yes.
Comment: Reported in individuals with features of Stickler syndrome in published literature and segregated with disease in one relative from one family (PMID: 27408751, 29620724, 29453956); Not observed at significant frequency in large population cohorts (gnomAD); Nonsense variant predicted to result in protein truncation or nonsense mediated decay in a gene for which loss of function is a known mechanism of disease; This variant is associated with the following publications: (PMID: 29620724, 29453956, 33057194, 35816303, 35982159, 35457050, 34671977, 33502061, 33951325, 27408751)

Blueprint Genetics
Classification: Pathogenic for COL2A1-related disorders. Last evaluated: 2023-08-16. Review status: criteria provided, single submitter. Criteria: ACMG Guidelines, 2015. Collection method: clinical testing. Allele origin: germline. Affected: yes. Observed: 5 variant alleles.

Equipe Genetique des Anomalies du Developpement, Université de Bourgogne
Classification: Pathogenic for Stickler syndrome type 1. Review status: criteria provided, single submitter. Criteria: ACMG Guidelines, 2015. Collection method: clinical testing. Allele origin: de novo. Affected: yes.

Literature cited by the submitters: PubMed 20179744 (cited by Labcorp Genetics (formerly Invitae), Labcorp); PubMed 27408751 (cited by Labcorp Genetics (formerly Invitae), Labcorp).